The following is an entry in ClinVar:

NM_138615.3(DHX30):c.626C>G (p.Ser209Cys)

Gene: DHX30 (DExH-box helicase 30; plus strand). Cytogenetic location: 3p21.31.
Variant type: single nucleotide variant.
Coding change: c.626C>G on transcript NM_138615.3 (MANE Select); coding-DNA position 626, C replaced by G.
Protein change: p.Ser209Cys; replaces serine 209 with cysteine.
Molecular consequence: missense variant.
Genome position (GRCh38, 1-based): chr3:47,841,136, C>G. VCF-style: chr3-47841136-C-G. GRCh37 (hg19) VCF-style: chr3-47882626-C-G.
Other names: c.542C>G, p.Ser181Cys (NM_001330990.2); c.509C>G, p.Ser170Cys (NM_014966.4); short protein forms S170C, S181C, S209C.
Identifiers: ClinVar variation 5020261 (VCV005020261.1).
Genomic context (GRCh38, chr3:47,841,136, plus strand): 5'-AAGAGGAGGACGAGGAGGAAGAGCTAGAAGAAGGGACCATAGATGTTACCGACTTCTTGT[C>G]CATGACCCAGCAGGATTCCCACGCTCCACTCAGGGACTCAAGGTACAGATGGAGGATGGG-3'
Protein context (NP_619520.1, residues 199-219): EGTIDVTDFL[Ser209Cys]MTQQDSHAPL

ClinVar aggregate classification (germline): Uncertain significance (1 of 4 stars; one submission).

gnomAD v4.1: 26 of 1,614,058 alleles (0.0016%); highest among the groups gnomAD compares: Admixed American, 0.043%; no homozygotes.

Submission:

Dasa
Classification: Uncertain significance. Last evaluated: 2026-07-04. Review status: criteria provided, single submitter. Criteria: DASA Assertion Criteria. Collection method: clinical testing. Allele origin: germline.
Comment: NM_138615.3(DHX30):c.626C>G (p.Ser209Cys) is a missense variant that results in the substitution of serine with cysteine. This variant is absent from population databases. Computational prediction algorithms are consistent with a benign effect. The currently available literature and clinical evidence are not sufficient to establish a definitive association between this variant and the reported condition. Therefore, this variant is classified as a variant of uncertain significance.